The following continues an entry in ClinVar:

NM_001378615.1(CC2D2A):c.4667A>T (p.Asp1556Val)

ClinVar aggregate classification (germline): Pathogenic/Likely pathogenic. Pathogenic (14); Likely pathogenic (6).

Submissions 15 to 21 of 21:

CeGaT Center for Human Genetics Tuebingen
Classification: Pathogenic. Last evaluated: 2019-11-01. Review status: criteria provided, single submitter. Criteria: CeGaT Center For Human Genetics Tuebingen Variant Classification Criteria Version 2. Collection method: clinical testing. Allele origin: germline. Affected: yes. Observed: 1 variant allele.

Laboratory for Molecular Medicine, Mass General Brigham Personalized Medicine
Classification: Pathogenic for Joubert syndrome. Last evaluated: 2019-04-15. Review status: criteria provided, single submitter. Criteria: ACMG Guidelines, 2015. Collection method: clinical testing. Allele origin: germline. Inheritance: Autosomal recessive inheritance.
Comment: The p.Asp1556Val variant in CC2D2A has been reported in the compound heterozygous state in at least 7 individuals with Joubert syndrome (Mougou-Zerelli 2009, Bachmann-Gagescu 2015, Srour 2015, Fleming 2017). It segregated with disease in 1 affected family member (Srour 2015). This variant was also detected in 0.035% (45/127440) of European chromosomes by gnomAD. Although this variant has been seen in the general population, its frequency is low enough to be consistent with a recessive carrier frequency. Additionally, this variant has been classified as Pathogenic in ClinVar (Variation ID 217607). In summary, the p.Asp1556Val variant meets criteria to be classified as pathogenic for Joubert syndrome in an autosomal recessive manner. ACMG/AMP Criteria applied: PM3_VeryStrong, PM2_Supporting, PP1.

Illumina Laboratory Services, Illumina
Classification: Pathogenic for CC2D2A-Related Disorders. Last evaluated: 2018-05-07. Review status: criteria provided, single submitter. Criteria: ICSL Variant Classification Criteria 09 May 2019. Collection method: clinical testing. Allele origin: germline.
Comment: The CC2D2A c.4667A>T (p.Asp1556Val) missense variant has been reported in six studies in which it is found in 20 individuals with Joubert syndrome, including in 19 in a compound heterozygous state (including two sibling pairs) and in one individual in a heterozygous state in whom a second variant was not found (Mougou-Zerelli et. al. 2009; Bachmann-Gagescu et. al. 2012; Srour et. al. 2012a; Srour et. al. 2012b; Srour et. al. 2015; Bachmann-Gagescu et. al. 2015). The variant was also found in a heterozygous state in one unaffected individual. The variant has not been reported in individuals with Meckel syndrome. The p.Asp1556Val variant was absent from 2376 control chromosomes and is reported at a frequency of 0.00027 in the European (non-Finnish) population of the Exome Aggregation Consortium. The Asp1556 residue is highly conserved. Based on the evidence, the p.Asp1556Val variant is classified as pathogenic for CC2D2A-related disorders. This variant was observed by ICSL as part of a predisposition screen in an ostensibly healthy population.

Ambry Genetics
Classification: Likely pathogenic for Inborn genetic diseases. Last evaluated: 2017-11-10. Review status: criteria provided, single submitter. Criteria: Ambry exome assertion method (8-5-2015). Collection method: clinical testing. Allele origin: germline. Affected: yes. Observed: 2 variant alleles.

Eurofins Ntd Llc (ga)
Classification: Pathogenic. Last evaluated: 2017-11-07. Review status: criteria provided, single submitter. Criteria: EGL Classification Definitions 2015. Collection method: clinical testing. Allele origin: germline. Observed: 2 variant alleles, 2 heterozygotes.

UW Hindbrain Malformation Research Program, University of Washington
Classification: Pathogenic for Joubert syndrome 9. Last evaluated: 2015-02-23. Review status: criteria provided, single submitter. Criteria: Bachmann-Gagescu et al. (J Med Genet. 2015). Collection method: research. Allele origin: unknown. Affected: yes.

Genomics England Pilot Project, Genomics England
Classification: Pathogenic for COACH syndrome 1. Review status: no assertion criteria provided. Criteria: ACGS Guidelines, 2016. Collection method: clinical testing. Allele origin: germline. Affected: yes. Not counted in ClinVar's aggregate classification.

Literature cited by the submitters: PubMed 19777577 (cited by 6 submitters); PubMed 22241855 (cited by 5 submitters); PubMed 22425360 (cited by 4 submitters); PubMed 23012439 (cited by 3 submitters); PubMed 26092869 (cited by 5 submitters); PubMed 26477546 (cited by 7 submitters); PubMed 26673778 (cited by Mayo Clinic Laboratories, Mayo Clinic and Women's Health and Genetics/Laboratory Corporation of America, LabCorp); PubMed 29146704 (cited by Mayo Clinic Laboratories, Mayo Clinic and Laboratory for Molecular Medicine, Mass General Brigham Personalized Medicine); PubMed 31618753 (cited by Mayo Clinic Laboratories, Mayo Clinic and Institute of Human Genetics, Univ. Regensburg, Univ. Regensburg); PubMed 33486889 (cited by Mayo Clinic Laboratories, Mayo Clinic); PubMed 34448047 (cited by Mayo Clinic Laboratories, Mayo Clinic and Institute of Human Genetics, Univ. Regensburg, Univ. Regensburg); PubMed 36319078 (cited by Mayo Clinic Laboratories, Mayo Clinic); PubMed 36788019 (cited by Mayo Clinic Laboratories, Mayo Clinic); PubMed 30609409 (cited by Institute of Human Genetics, Univ. Regensburg, Univ. Regensburg); PubMed 31964843 (cited by Institute of Human Genetics, Univ. Regensburg, Univ. Regensburg); PubMed 32488064 (cited by Institute of Human Genetics, Univ. Regensburg, Univ. Regensburg); PubMed 33084218 (cited by Institute of Human Genetics, Univ. Regensburg, Univ. Regensburg); PubMed 34426522 (cited by Institute of Human Genetics, Univ. Regensburg, Univ. Regensburg); PubMed 34758253 (cited by Institute of Human Genetics, Univ. Regensburg, Univ. Regensburg); PubMed 26485645 (cited by Laboratory for Molecular Medicine, Mass General Brigham Personalized Medicine).